The following is an entry in ClinVar:

NM_002485.5(NBN):c.584+9T>C

Gene: NBN (nibrin; minus strand). Cytogenetic location: 8q21.3.
Variant type: single nucleotide variant.
Coding change: c.584+9T>C on transcript NM_002485.5 (MANE Select); 9 bases into the intron after coding-DNA position 584, T replaced by C.
Molecular consequence: intron variant.
Genome position (GRCh38, 1-based): chr8:89,978,211, A>G on the plus strand (T>C on the coding strand, the complement: NBN is on the minus strand). VCF-style: chr8-89978211-A-G. GRCh37 (hg19) VCF-style: chr8-90990439-A-G.
Other names: c.338+9T>C (NM_001024688.3).
Identifiers: ClinVar variation 378234 (VCV000378234.26), dbSNP rs746913991, ClinGen allele CA4802943.

ClinVar aggregate classification (germline): Likely benign. Review status: criteria provided, multiple submitters, no conflicts (2 of 4 stars). 7 submissions from 7 submitters: Likely benign (7). Last evaluated 2026-01-24.

Conditions:
Microcephaly, normal intelligence and immunodeficiency (NBS). Also called: SEEMANOVA SYNDROME II; Ataxia telangiectasia variant V1; Nijmegen breakage syndrome; BERLIN BREAKAGE SYNDROME; IMMUNODEFICIENCY, MICROCEPHALY, AND CHROMOSOMAL INSTABILITY; Immunodeficiency, microcephaly with normal intelligence. Identifiers: Orphanet 647, MedGen C0398791, MONDO:0009623, OMIM 251260.

Allele frequency attached by ClinVar (database versions not stated): TOPMed 0.00001; gnomAD exomes 0.00002; ExAC 0.00001; gnomAD 0.00001.
gnomAD v4.1: 57 of 1,594,674 alleles (0.0036%); highest among the groups gnomAD compares: Non-Finnish European, 0.0045%; no homozygotes.

Submissions (7):

Labcorp Genetics (formerly Invitae), Labcorp
Classification: Likely benign for Microcephaly, normal intelligence and immunodeficiency. Last evaluated: 2026-01-24. Review status: criteria provided, single submitter. Criteria: Invitae Variant Classification Sherloc (09022015). Collection method: clinical testing. Allele origin: germline.

Women's Health and Genetics/Laboratory Corporation of America, LabCorp
Classification: Likely benign. Last evaluated: 2025-01-09. Review status: criteria provided, single submitter. Criteria: LabCorp Variant Classification Summary - May 2015. Collection method: clinical testing. Allele origin: germline.
Comment: Variant summary: NBN c.584+9T>C alters a nucleotide located at a position not widely known to affect splicing. Consensus agreement among computation tools predict no significant impact on normal splicing. However, these predictions have yet to be confirmed by functional studies. The variant allele was found at a frequency of 2.4e-05 in 250980 control chromosomes, predominantly at a frequency of 5.3e-05 within the Non-Finnish European subpopulation in the gnomAD database. The available data on variant occurrences in the general population are insufficient to allow any conclusion about variant significance. To our knowledge, no occurrence of c.584+9T>C in individuals affected with Nijmegen Breakage Syndrome and no experimental evidence demonstrating its impact on protein function have been reported. ClinVar contains an entry for this variant (Variation ID: 378234). Based on the evidence outlined above, the variant was classified as likely benign.

Blueprint Genetics
Classification: Likely benign. Last evaluated: 2023-11-20. Review status: criteria provided, single submitter. Criteria: ACMG Guidelines, 2015. Collection method: clinical testing. Allele origin: germline.

Genome-Nilou Lab
Classification: Likely benign for Microcephaly, normal intelligence and immunodeficiency. Last evaluated: 2021-11-07. Review status: criteria provided, single submitter. Criteria: ACMG Guidelines, 2015. Collection method: clinical testing. Allele origin: germline. Affected: no.

Genetic Services Laboratory, University of Chicago
Classification: Likely benign. Last evaluated: 2020-12-03. Review status: criteria provided, single submitter. Criteria: ACMG Guidelines, 2015. Collection method: clinical testing. Allele origin: germline. Affected: no.

Quest Diagnostics Nichols Institute San Juan Capistrano
Classification: Likely benign. Last evaluated: 2018-11-29. Review status: criteria provided, single submitter. Criteria: Quest Diagnostics criteria. Collection method: clinical testing. Allele origin: germline.

GeneDx
Classification: Likely benign. Last evaluated: 2016-04-08. Review status: criteria provided, single submitter. Criteria: GeneDx Variant Classification (06012015). Collection method: clinical testing. Allele origin: germline. Affected: yes.
Comment: This variant is considered likely benign or benign based on one or more of the following criteria: it is a conservative change, it occurs at a poorly conserved position in the protein, it is predicted to be benign by multiple in silico algorithms, and/or has population frequency not consistent with disease.